The following is an entry in ClinVar:

ClinVar aggregate classification (germline): Uncertain significance. Review status: criteria provided, multiple submitters, no conflicts (2 of 4 stars). 2 submissions from 2 submitters: Uncertain significance (2). Last evaluated 2025-12-17.

Conditions:
Hereditary cancer-predisposing syndrome. Also called: Hereditary neoplastic syndrome; Tumor predisposition; Neoplastic Syndromes, Hereditary; Hereditary Cancer Syndrome. Identifiers: Orphanet 140162, MedGen C0027672, MeSH D009386, MONDO:0015356.

Submissions (2):

Ambry Genetics
Classification: Uncertain significance for Hereditary cancer-predisposing syndrome. Last evaluated: 2025-12-17. Review status: criteria provided, single submitter. Criteria: Ambry Variant Classification Scheme 2023. Collection method: clinical testing. Allele origin: germline.
Comment: The p.T94A variant (also known as c.280A>G), located in coding exon 3 of the BMPR1A gene, results from an A to G substitution at nucleotide position 280. The threonine at codon 94 is replaced by alanine, an amino acid with similar properties. This amino acid position is not well conserved in available vertebrate species. In addition, this alteration is predicted to be tolerated by in silico analysis. Since supporting evidence is limited at this time, the clinical significance of this alteration remains unclear.

Color Diagnostics, LLC DBA Color Health
Classification: Uncertain significance for Hereditary cancer-predisposing syndrome. Last evaluated: 2024-03-06. Review status: criteria provided, single submitter. Criteria: ACMG Guidelines, 2015. Collection method: clinical testing. Allele origin: germline.
Comment: This missense variant replaces threonine with alanine at codon 94 of the BMPR1A protein. Computational prediction suggests that this variant may not impact protein structure and function (internally defined REVEL score threshold <= 0.5, PMID: 27666373). To our knowledge, functional studies have not been reported for this variant. This variant has not been reported in individuals affected with hereditary cancer in the literature. This variant has not been identified in the general population by the Genome Aggregation Database (gnomAD). The available evidence is insufficient to determine the role of this variant in disease conclusively. Therefore, this variant is classified as a Variant of Uncertain Significance.

NM_004329.3(BMPR1A):c.280A>G (p.Thr94Ala)

Gene: BMPR1A (bone morphogenetic protein receptor type 1A; plus strand). Cytogenetic location: 10q23.2.
Variant type: single nucleotide variant.
Coding change: c.280A>G on transcript NM_004329.3 (MANE Select); coding-DNA position 280, A replaced by G.
Protein change: p.Thr94Ala; replaces threonine 94 with alanine.
Molecular consequence: missense variant.
Genome position (GRCh38, 1-based): chr10:86,892,176, A>G. VCF-style: chr10-86892176-A-G. GRCh37 (hg19) VCF-style: chr10-88651933-A-G.
Other names: short protein forms T94A.
Identifiers: ClinVar variation 1332438 (VCV001332438.6), dbSNP rs1843160996, ClinGen allele CA377448106.
Genomic context (GRCh38, chr10:86,892,176, plus strand): 5'-TTCTGTTTTAGAACTAATGGACATTGCTTTGCCATCATAGAAGAAGATGACCAGGGAGAA[A>G]CCACATTAGCTTCAGGGTGTATGAAATATGAAGGATCTGATTTTCAGTGCAAAGTAAGAT-3'
Protein context (NP_004320.2, residues 84-104): AIIEEDDQGE[Thr94Ala]TLASGCMKYE